The following is an entry in ClinVar:

ClinVar aggregate classification (germline): Uncertain significance. Review status: criteria provided, multiple submitters, no conflicts (2 of 4 stars). 2 submissions from 2 submitters: Uncertain significance (2). Last evaluated 2025-09-24.

Conditions:
Inborn genetic diseases. Identifiers: MedGen C0950123, MeSH D030342.

Allele frequency attached by ClinVar (database versions not stated): TOPMed 0.00002; ExAC 0.00001; gnomAD 0.00003.
gnomAD v4.1: 26 of 1,609,116 alleles (0.0016%); highest among the groups gnomAD compares: Non-Finnish European, 0.002%; no homozygotes.

Submissions (2):

Labcorp Genetics (formerly Invitae), Labcorp
Classification: Uncertain significance. Last evaluated: 2025-09-24. Review status: criteria provided, single submitter. Criteria: Invitae Variant Classification Sherloc (09022015). Collection method: clinical testing. Allele origin: germline.
Comment: This sequence change replaces leucine, which is neutral and non-polar, with valine, which is neutral and non-polar, at codon 797 of the CYFIP2 protein (p.Leu797Val). This variant is present in population databases (rs772497690, gnomAD 0.004%). This variant has not been reported in the literature in individuals affected with CYFIP2-related conditions. ClinVar contains an entry for this variant (Variation ID: 2527174). Experimental studies and prediction algorithms are not available or were not evaluated, and the functional significance of this variant is currently unknown. In summary, the available evidence is currently insufficient to determine the role of this variant in disease. Therefore, it has been classified as a Variant of Uncertain Significance.

Ambry Genetics
Classification: Uncertain significance for Inborn genetic diseases. Last evaluated: 2023-03-20. Review status: criteria provided, single submitter. Criteria: Ambry Variant Classification Scheme 2023. Collection method: clinical testing. Allele origin: germline.

NM_001037333.3(CYFIP2):c.2389C>G (p.Leu797Val)

Gene: CYFIP2 (cytoplasmic FMR1 interacting protein 2; plus strand). Cytogenetic location: 5q33.3.
Variant type: single nucleotide variant.
Coding change: c.2389C>G on transcript NM_001037333.3 (MANE Select); coding-DNA position 2389, C replaced by G.
Protein change: p.Leu797Val; replaces leucine 797 with valine.
Molecular consequence: missense variant.
Genome position (GRCh38, 1-based): chr5:157,339,060, C>G. VCF-style: chr5-157339060-C-G. GRCh37 (hg19) VCF-style: chr5-156766068-C-G.
Other names: c.2311C>G, p.Leu771Val (NM_001291721.2); c.2464C>G, p.Leu822Val (NM_001291722.2); c.2389C>G, p.Leu797Val (NM_014376.4); short protein forms L822V, L771V, L797V.
Identifiers: ClinVar variation 2527174 (VCV002527174.5), dbSNP rs772497690, ClinGen allele CA3533849.